The following is an entry in ClinVar:

NM_001166108.2(PALLD):c.1965-12678C>T

Gene: PALLD (palladin, cytoskeletal associated protein; plus strand). Cytogenetic location: 4q32.3.
Variant type: single nucleotide variant.
Coding change: c.1965-12678C>T on transcript NM_001166108.2 (MANE Select); 12678 bases into the intron before coding-DNA position 1965, C replaced by T.
Molecular consequence: intron variant. On other transcripts: missense variant (1).
Genome position (GRCh38, 1-based): chr4:168,878,244, C>T. VCF-style: chr4-168878244-C-T. GRCh37 (hg19) VCF-style: chr4-169799395-C-T.
Other names: c.-157-12678C>T (NM_001367570.1, NM_001367568.1, NM_001367567.1 and 1 more transcripts); c.353C>T (NM_001166110.1); c.353C>T, p.Pro118Leu (NM_001166110.2); c.1965-12678C>T (NM_016081.4); c.819-12678C>T (NM_001166109.2); short protein forms P118L.
Identifiers: ClinVar variation 2755125 (VCV002755125.5), dbSNP rs1292447736, ClinGen allele CA358796439.
Genomic context (GRCh38, chr4:168,878,244, plus strand): 5'-CCACGGCTGCCTTCCCGGTGCCCGACGTGTTCCCACTGCCGCCGCCACCACCGCCGCTCC[C>T]GAGCCCGGGACAGGCGTCCCACTGCTCGTCGCCTGCCACCCGCTTCGGCCACAGCCAGAC-3'

ClinVar aggregate classification (germline): Uncertain significance. Review status: criteria provided, multiple submitters, no conflicts (2 of 4 stars). 2 submissions from 2 submitters: Uncertain significance (2). Last evaluated 2025-01-03.

Conditions:
Pancreatic adenocarcinoma. Identifiers: MedGen C0281361, MONDO:0006047, HP:0006725.

Allele frequency attached by ClinVar (database versions not stated): gnomAD 0.00001; gnomAD exomes 0.00001; TOPMed 0.00002.
gnomAD v4.1: 11 of 1,522,256 alleles (0.00072%); highest among the groups gnomAD compares: East Asian, 0.0025%; no homozygotes.

Submissions (2):

Ambry Genetics
Classification: Uncertain significance. Last evaluated: 2025-01-03. Review status: criteria provided, single submitter. Criteria: Ambry Variant Classification Scheme 2023. Collection method: clinical testing. Allele origin: germline.
Comment: The p.P118L variant (also known as c.353C>T), located in coding exon 1 of the PALLD gene, results from a C to T substitution at nucleotide position 353. The proline at codon 118 is replaced by leucine, an amino acid with similar properties. This amino acid position is conserved. In addition, this alteration is predicted to be tolerated by in silico analysis. Based on the available evidence, the clinical significance of this variant remains unclear.

Labcorp Genetics (formerly Invitae), Labcorp
Classification: Uncertain significance for Pancreatic adenocarcinoma. Last evaluated: 2023-08-01. Review status: criteria provided, single submitter. Criteria: Invitae Variant Classification Sherloc (09022015). Collection method: clinical testing. Allele origin: germline.
Comment: This sequence change replaces proline, which is neutral and non-polar, with leucine, which is neutral and non-polar, at codon 118 of the PALLD protein (p.Pro118Leu). This variant is not present in population databases (gnomAD no frequency). This variant has not been reported in the literature in individuals affected with PALLD-related conditions. An algorithm developed to predict the effect of missense changes on protein structure and function (PolyPhen-2) suggests that this variant is likely to be tolerated. In summary, the available evidence is currently insufficient to determine the role of this variant in disease. Therefore, it has been classified as a Variant of Uncertain Significance.